The following is an entry in ClinVar:

ClinVar aggregate classification (germline): Uncertain significance (1 of 4 stars; one submission).

Conditions:
Candidiasis, familial, 9 (CANDF9). Identifiers: Orphanet 1334, MedGen C4225324, MONDO:0014642, OMIM 616445.

Submission:

Labcorp Genetics (formerly Invitae), Labcorp
Classification: Uncertain significance for Candidiasis, familial, 9. Last evaluated: 2025-06-22. Review status: criteria provided, single submitter. Criteria: Invitae Variant Classification Sherloc (09022015). Collection method: clinical testing. Allele origin: germline.
Comment: This sequence change replaces serine, which is neutral and polar, with asparagine, which is neutral and polar, at codon 699 of the IL17RC protein (p.Ser699Asn). This variant is not present in population databases (gnomAD no frequency). This variant has not been reported in the literature in individuals affected with IL17RC-related conditions. An algorithm developed to predict the effect of missense changes on protein structure and function (PolyPhen-2) suggests that this variant is likely to be tolerated. In summary, the available evidence is currently insufficient to determine the role of this variant in disease. Therefore, it has been classified as a Variant of Uncertain Significance.

NM_153460.4(IL17RC):c.1883G>A (p.Ser628Asn)

Gene: IL17RC (interleukin 17 receptor C; plus strand). Cytogenetic location: 3p25.3.
Variant type: single nucleotide variant.
Coding change: c.1883G>A on transcript NM_153460.4 (MANE Select); coding-DNA position 1883, G replaced by A.
Protein change: p.Ser628Asn; replaces serine 628 with asparagine.
Molecular consequence: missense variant. On other transcripts: non-coding transcript variant (1).
Genome position (GRCh38, 1-based): chr3:9,933,313, G>A. VCF-style: chr3-9933313-G-A. GRCh37 (hg19) VCF-style: chr3-9974997-G-A.
Other names: c.1844G>A, p.Ser615Asn (NM_001203263.2); c.1793G>A, p.Ser598Asn (NM_001203264.2); c.1787G>A, p.Ser596Asn (NM_001203265.2); c.1805G>A, p.Ser602Asn (NM_001367278.1); c.1724G>A, p.Ser575Asn (NM_001367279.1); c.1799G>A, p.Ser600Asn (NM_001367280.1); c.1748G>A, p.Ser583Asn (NM_001410711.1); c.1838G>A, p.Ser613Asn (NM_032732.6); and 1 more; short protein forms S602N, S615N, S628N, S575N, S596N, S699N, S600N, S583N.
Identifiers: ClinVar variation 4721928 (VCV004721928.1).